The following is an entry in ClinVar:

NM_022114.4(PRDM16):c.1794G>A (p.Met598Ile)

Gene: PRDM16 (PR/SET domain 16; plus strand). Cytogenetic location: 1p36.32.
Variant type: single nucleotide variant.
Coding change: c.1794G>A on transcript NM_022114.4 (MANE Select); coding-DNA position 1794, G replaced by A.
Protein change: p.Met598Ile; replaces methionine 598 with isoleucine.
Molecular consequence: missense variant.
Genome position (GRCh38, 1-based): chr1:3,411,991, G>A. VCF-style: chr1-3411991-G-A. GRCh37 (hg19) VCF-style: chr1-3328555-G-A.
Other names: c.1794G>A, p.Met598Ile (NM_199454.3); short protein forms M598I.
Identifiers: ClinVar variation 2156559 (VCV002156559.5), dbSNP rs199657886, ClinGen allele CA544289.

ClinVar aggregate classification (germline): Conflicting classifications of pathogenicity. Review status: criteria provided, conflicting classifications (1 of 4 stars). 2 submissions from 2 submitters: Uncertain significance (1); Likely benign (1). Last evaluated 2024-10-23.

Conditions:
Left ventricular noncompaction 8 (LVNC8). Identifiers: Orphanet 154, Orphanet 54260, MedGen C3809288, MONDO:0014152, OMIM 615373.

Allele frequency attached by ClinVar (database versions not stated): gnomAD 0.00002; TOPMed 0.00002; gnomAD exomes 0.00006; ExAC 0.00010.
gnomAD v4.1: 43 of 1,613,556 alleles (0.0027%); highest among the groups gnomAD compares: Admixed American, 0.0017%; no homozygotes.

Submissions (2):

Blueprint Genetics
Classification: Likely benign. Last evaluated: 2024-10-23. Review status: criteria provided, single submitter. Criteria: ACMG Guidelines, 2015. Collection method: clinical testing. Allele origin: germline.

Labcorp Genetics (formerly Invitae), Labcorp
Classification: Uncertain significance for Left ventricular noncompaction 8. Last evaluated: 2023-11-27. Review status: criteria provided, single submitter. Criteria: Invitae Variant Classification Sherloc (09022015). Collection method: clinical testing. Allele origin: germline.
Comment: This sequence change replaces methionine, which is neutral and non-polar, with isoleucine, which is neutral and non-polar, at codon 598 of the PRDM16 protein (p.Met598Ile). This variant is present in population databases (rs199657886, gnomAD 0.03%). This variant has not been reported in the literature in individuals affected with PRDM16-related conditions. ClinVar contains an entry for this variant (Variation ID: 2156559). An algorithm developed to predict the effect of missense changes on protein structure and function (PolyPhen-2) suggests that this variant is likely to be tolerated. In summary, the available evidence is currently insufficient to determine the role of this variant in disease. Therefore, it has been classified as a Variant of Uncertain Significance.